The following is an entry in ClinVar:

NM_001042492.3(NF1):c.6519dup (p.Ala2174fs)

Gene: NF1 (neurofibromin 1; plus strand). Cytogenetic location: 17q11.2.
Variant type: Duplication.
Coding change: c.6519dup on transcript NM_001042492.3 (MANE Select); coding-DNA position 6519, one base duplicated (T; older notation c.6519dupT).
Protein change: p.Ala2174fs; shifts the reading frame from alanine 2174.
Molecular consequence: frameshift variant.
Genome position (GRCh38, 1-based): chr17:31,337,459, T duplicated. VCF-style (leftmost placement, unchanged base first): chr17-31337458-C-CT. GRCh37 (hg19) VCF-style: chr17-29664476-C-CT.
Other names: c.6456dup, p.Ala2153Cysfs (NM_000267.4); short protein forms A2153fs, A2174fs.
Identifiers: ClinVar variation 3899922 (VCV003899922.1).

ClinVar aggregate classification (germline): Pathogenic (1 of 4 stars; one submission).

Submission:

GeneDx
Classification: Pathogenic. Last evaluated: 2025-05-20. Review status: criteria provided, single submitter. Criteria: GeneDx Variant Classification Process June 2021. Collection method: clinical testing. Allele origin: germline. Affected: yes.
Comment: Frameshift variant predicted to result in protein truncation or nonsense mediated decay in a gene for which loss of function is a known mechanism of disease; Not observed at significant frequency in large population cohorts (gnomAD); Has not been previously published as pathogenic or benign to our knowledge